The following is an entry in ClinVar:

NM_004006.3(DMD):c.7400T>C (p.Leu2467Ser)

Gene: DMD (dystrophin; minus strand). Cytogenetic location: Xp21.1.
Variant type: single nucleotide variant.
Coding change: c.7400T>C on transcript NM_004006.3 (MANE Select); coding-DNA position 7400, T replaced by C.
Protein change: p.Leu2467Ser; replaces leucine 2467 with serine.
Molecular consequence: missense variant.
Genome position (GRCh38, 1-based): chrX:31,774,102, A>G on the plus strand (T>C on the coding strand, the complement: DMD is on the minus strand). VCF-style: chrX-31774102-A-G. GRCh37 (hg19) VCF-style: chrX-31792219-A-G.
Other names: c.7376T>C, p.Leu2459Ser (NM_000109.4); c.7388T>C, p.Leu2463Ser (NM_004009.3); c.7031T>C, p.Leu2344Ser (NM_004010.3); c.3377T>C, p.Leu1126Ser (NM_004011.4); c.3368T>C, p.Leu1123Ser (NM_004012.4); c.20T>C, p.Leu7Ser (NM_004013.3, NM_004020.4, NM_004021.3 and 2 more transcripts); short protein forms L2459S, L2467S, L1123S, L1126S, L2344S, L7S, L2463S.
Identifiers: ClinVar variation 2161204 (VCV002161204.3), dbSNP rs1254776844, ClinGen allele CA412659010.

ClinVar aggregate classification (germline): Uncertain significance. Review status: criteria provided, multiple submitters, no conflicts (2 of 4 stars). 2 submissions from 2 submitters: Uncertain significance (2). Last evaluated 2026-09-09.

Conditions:
Duchenne muscular dystrophy (DMD). Also called: Duchenne Muscular Dystrophy (DMD); MUSCULAR DYSTROPHY, PSEUDOHYPERTROPHIC PROGRESSIVE, DUCHENNE TYPE. Identifiers: Orphanet 98896, MedGen C0013264, MONDO:0010679, OMIM 310200.
Cardiovascular phenotype. Identifiers: MedGen CN230736.

Allele frequency attached by ClinVar (database versions not stated): TOPMed below 0.00001; gnomAD exomes 0.00001.
gnomAD v4.1: 3 of 1,211,069 alleles (0.00025%); highest among the groups gnomAD compares: Middle Eastern, 0.023%; no homozygotes.

Submissions (2):

Ambry Genetics
Classification: Uncertain significance for Cardiovascular phenotype. Last evaluated: 2026-09-09. Review status: criteria provided, single submitter. Criteria: Ambry Variant Classification Scheme 2023. Collection method: clinical testing. Allele origin: germline.

Labcorp Genetics (formerly Invitae), Labcorp
Classification: Uncertain significance for Duchenne muscular dystrophy. Last evaluated: 2026-01-13. Review status: criteria provided, single submitter. Criteria: Invitae Variant Classification Sherloc (09022015). Collection method: clinical testing. Allele origin: germline.
Comment: This sequence change replaces leucine, which is neutral and non-polar, with serine, which is neutral and polar, at codon 2467 of the DMD protein (p.Leu2467Ser). This variant is not present in population databases (gnomAD no frequency). This variant has not been reported in the literature in individuals affected with DMD-related conditions. ClinVar contains an entry for this variant (Variation ID: 2161204). Invitae Evidence Modeling of protein sequence and biophysical properties (such as structural, functional, and spatial information, amino acid conservation, physicochemical variation, residue mobility, and thermodynamic stability) indicates that this missense variant is not expected to disrupt DMD protein function with a negative predictive value of 95%. In summary, the available evidence is currently insufficient to determine the role of this variant in disease. Therefore, it has been classified as a Variant of Uncertain Significance.